The following is an entry in ClinVar:

NM_002109.6(HARS1):c.823+6G>C

Gene: HARS1 (histidyl-tRNA synthetase 1; minus strand). Cytogenetic location: 5q31.3.
Variant type: single nucleotide variant.
Coding change: c.823+6G>C on transcript NM_002109.6 (MANE Select); 6 bases into the intron after coding-DNA position 823, G replaced by C.
Molecular consequence: intron variant.
Genome position (GRCh38, 1-based): chr5:140,677,321, C>G on the plus strand (G>C on the coding strand, the complement: HARS1 is on the minus strand). VCF-style: chr5-140677321-C-G. GRCh37 (hg19) VCF-style: chr5-140056906-C-G.
Other names: c.736+6G>C (NM_001289094.2); c.481+6G>C (NM_001289093.2); c.643+6G>C (NM_001258042.3); c.703+6G>C (NM_001258040.3); c.601+6G>C (NM_001289092.2); c.763+6G>C (NM_001258041.3).
Identifiers: ClinVar variation 1041693 (VCV001041693.6), dbSNP rs1758439013, ClinGen allele CA1586865229.

ClinVar aggregate classification (germline): Uncertain significance (1 of 4 stars; one submission).

Conditions:
Usher syndrome type 3B. Also called: USHER SYNDROME, TYPE IIIB. Identifiers: MedGen C3281066, MONDO:0013788, OMIM 614504.

Submission:

Labcorp Genetics (formerly Invitae), Labcorp
Classification: Uncertain significance for Usher syndrome type 3B. Last evaluated: 2022-10-13. Review status: criteria provided, single submitter. Criteria: Invitae Variant Classification Sherloc (09022015). Collection method: clinical testing. Allele origin: germline.
Comment: Variants that disrupt the consensus splice site are a relatively common cause of aberrant splicing (PMID: 17576681, 9536098). Algorithms developed to predict the effect of sequence changes on RNA splicing suggest that this variant is not likely to affect RNA splicing. ClinVar contains an entry for this variant (Variation ID: 1041693). This variant has not been reported in the literature in individuals affected with HARS-related conditions. This variant is not present in population databases (gnomAD no frequency). This sequence change falls in intron 8 of the HARS gene. It does not directly change the encoded amino acid sequence of the HARS protein. It affects a nucleotide within the consensus splice site. In summary, the available evidence is currently insufficient to determine the role of this variant in disease. Therefore, it has been classified as a Variant of Uncertain Significance.

Literature cited by the submitters: PubMed 17576681; PubMed 9536098.